The following is an entry in ClinVar:

ClinVar aggregate classification (germline): Uncertain significance (1 of 4 stars; one submission).

Conditions:
PLCG1-related disorder. Also called: PLCG1-related condition.

gnomAD v4.1: 31 of 1,614,128 alleles (0.0019%); highest among the groups gnomAD compares: African/African-American, 0.016%; no homozygotes.

Submission:

PreventionGenetics, part of Exact Sciences
Classification: Uncertain significance for PLCG1-related condition. Last evaluated: 2024-11-09. Review status: criteria provided, single submitter. Criteria: ACMG Guidelines, 2015. Collection method: clinical testing. Allele origin: germline.
Comment: The PLCG1 c.3167C>T variant is predicted to result in the amino acid substitution p.Thr1056Met. To our knowledge, this variant has not been reported in the literature. This variant is reported in 0.010% of alleles in individuals of East Asian descent in gnomAD. At this time, the clinical significance of this variant is uncertain due to the absence of conclusive functional and genetic evidence.

NM_002660.3(PLCG1):c.3167C>T (p.Thr1056Met)

Gene: PLCG1 (phospholipase C gamma 1; plus strand). Cytogenetic location: 20q12.
Variant type: single nucleotide variant.
Coding change: c.3167C>T on transcript NM_002660.3 (MANE Select); coding-DNA position 3167, C replaced by T.
Protein change: p.Thr1056Met; replaces threonine 1056 with methionine.
Molecular consequence: missense variant.
Genome position (GRCh38, 1-based): chr20:41,172,765, C>T. VCF-style: chr20-41172765-C-T. GRCh37 (hg19) VCF-style: chr20-39801405-C-T.
Other names: c.3167C>T, p.Thr1056Met (NM_182811.2); short protein forms T1056M.
Identifiers: ClinVar variation 4981764 (VCV004981764.1).